The following is an entry in ClinVar:

ClinVar aggregate classification (germline): Benign (1 of 4 stars; one submission).

Conditions:
Pheochromocytoma. Also called: MAX-Related Hereditary Paraganglioma-Pheochromocytoma Syndrome. Identifiers: Orphanet 29072, MedGen C0031511, MONDO:0008233, OMIM 171300, HP:0002666.

Allele frequency attached by ClinVar (database versions not stated): 1000 Genomes Project 0.00040; 1000 Genomes Project 30x 0.00047; gnomAD exomes 0.00144; TOPMed 0.00146; gnomAD 0.00159 and 0.00162.

Submission:

Illumina Laboratory Services, Illumina
Classification: Benign for Pheochromocytoma. Last evaluated: 2018-01-13. Review status: criteria provided, single submitter. Criteria: ICSL Variant Classification Criteria 13 December 2019. Collection method: clinical testing. Allele origin: germline.
Comment: This variant was observed in the ICSL laboratory as part of a predisposition screen in an ostensibly healthy population. It had not been previously curated by ICSL or reported in the Human Gene Mutation Database (HGMD: prior to June 1st, 2018), and was therefore a candidate for classification through an automated scoring system. Utilizing variant allele frequency, disease prevalence and penetrance estimates, and inheritance mode, an automated score was calculated to assess if this variant is too frequent to cause the disease. Based on the score and internal cut-off values, a variant classified as benign is not then subjected to further curation. The score for this variant resulted in a classification of benign for this disease.

NM_017849.4(TMEM127):c.*1233C>T

Gene: TMEM127 (transmembrane protein 127; minus strand). Cytogenetic location: 2q11.2.
Variant type: single nucleotide variant.
Coding change: c.*1233C>T on transcript NM_017849.4 (MANE Select); 1233 bases downstream of the stop codon, C replaced by T.
Molecular consequence: 3 prime UTR variant.
Genome position (GRCh38, 1-based): chr2:96,252,575, G>A on the plus strand (C>T on the coding strand, the complement: TMEM127 is on the minus strand). VCF-style: chr2-96252575-G-A. GRCh37 (hg19) VCF-style: chr2-96918313-G-A.
Other names: c.*1233C>T (NM_001193304.3).
Identifiers: ClinVar variation 337486 (VCV000337486.5), dbSNP rs536712285, ClinGen allele CA10616366.
Genomic context (GRCh38, chr2:96,252,575, plus strand): 5'-AGCAGCACACTGCAAGACCAGAGTACATTCAAGAGGGGAGAGGGCACGTGGCAAGCTGGA[G>A]TCCCGAGTCAGAGTCTAGGGCAGCACTGGGTCTGAAGGACACAGCCCGGCCTGCTGGGCT-3'